The following is an entry in ClinVar:

NM_000551.4(VHL):c.340+830C>G

Genes: VHL (von Hippel-Lindau tumor suppressor; plus strand), LOC107303340 (3p25 von Hippel-Lindau tumor suppressor, E3 ubiquitin protein ligase Alu-mediated recombination region; plus strand). Cytogenetic location: 3p25.3.
Variant type: single nucleotide variant.
Coding change: c.340+830C>G on transcript NM_000551.4 (MANE Select); 830 bases into the intron after coding-DNA position 340, C replaced by G.
Molecular consequence: intron variant. On other transcripts: 3 prime UTR variant (1).
Genome position (GRCh38, 1-based): chr3:10,143,017, C>G. VCF-style: chr3-10143017-C-G. GRCh37 (hg19) VCF-style: chr3-10184701-C-G.
Other names: c.*13C>G (NM_001354723.2); c.340+830C>G (NM_198156.3).
Identifiers: ClinVar variation 1408592 (VCV001408592.6), dbSNP rs1696165307, ClinGen allele CA2573136153.
Genomic context (GRCh38, chr3:10,143,017, plus strand): 5'-TCAGTTAAGGAGCACTTCCCGGAGAAGGAAGAGAGCAGGATGGAGTAGGAACTAGCCAAC[C>G]CTAGGTAAGAGGTTCTAGACATGCGTGCGTTGAGACCTGGAGTCTTGGGAGAGGATGCTT-3'

ClinVar aggregate classification (germline): Uncertain significance (1 of 4 stars; one submission).

Conditions:
Chuvash polycythemia. Also called: POLYCYTHEMIA, VHL-DEPENDENT. Identifiers: Orphanet 238557, MedGen C1837915, MONDO:0009892, OMIM 263400.
Von Hippel-Lindau syndrome (VHLS). Also called: von Hippel–Lindau syndrome; Von Hippel-Lindau; VHL syndrome. Identifiers: Orphanet 892, MedGen C0019562, MONDO:0008667, OMIM 193300. Disease mechanism: loss of function.

Submission:

Labcorp Genetics (formerly Invitae), Labcorp
Classification: Uncertain significance for Von Hippel-Lindau syndrome; Chuvash polycythemia. Last evaluated: 2021-08-01. Review status: criteria provided, single submitter. Criteria: Invitae Variant Classification Sherloc (09022015). Collection method: clinical testing. Allele origin: germline.
Comment: This sequence change falls in intron 1 of the VHL gene. It is not expected to change the encoded amino acid sequence of the VHL protein. However, this sequence change falls within a cryptic exon in the VHL gene, known as exon E1’, which is naturally expressed at low levels in several human tissues (PMID: 29891534). The frequency data for this variant in the population databases is considered unreliable, as metrics indicate insufficient coverage at this position in the ExAC database. This variant has not been reported in the literature in individuals affected with VHL-related conditions. Experimental studies and prediction algorithms are not available or were not evaluated, and the functional significance of this variant is currently unknown. In summary, the available evidence is currently insufficient to determine the role of this variant in disease. Therefore, it has been classified as a Variant of Uncertain Significance.

Literature cited by the submitters: PubMed 29891534.